The following is an entry in ClinVar:

ClinVar aggregate classification (germline): Uncertain significance (1 of 4 stars; one submission).

Conditions:
Optic atrophy 3 (OPA3). Also called: OPTIC ATROPHY 3, AUTOSOMAL DOMINANT; Optic atrophy, cataract, and neurologic disorder; Optic atrophy 3 with cataract. Identifiers: Orphanet 67036, MedGen C1833809, MONDO:0008133, OMIM 165300.
3-Methylglutaconic aciduria type 3 (MGCA3). Also called: OPA3, AUTOSOMAL RECESSIVE; OPTIC ATROPHY 3, AUTOSOMAL RECESSIVE; OPA3-Related 3-Methylglutaconic Aciduria; Costeff Syndrome. Identifiers: Orphanet 67047, MedGen C0574084, MONDO:0009787, OMIM 258501.

Submission:

Labcorp Genetics (formerly Invitae), Labcorp
Classification: Uncertain significance for 3-Methylglutaconic aciduria type 3; Optic atrophy 3. Last evaluated: 2022-09-13. Review status: criteria provided, single submitter. Criteria: Invitae Variant Classification Sherloc (09022015). Collection method: clinical testing. Allele origin: germline.
Comment: This sequence change creates a premature translational stop signal (p.Glu74*) in the OPA3 gene. While this is not anticipated to result in nonsense mediated decay, it is expected to disrupt the last 106 amino acid(s) of the OPA3 protein. This variant is not present in population databases (gnomAD no frequency). This variant has not been reported in the literature in individuals affected with OPA3-related conditions. Algorithms developed to predict the effect of sequence changes on RNA splicing suggest that this variant may create or strengthen a splice site. This variant disrupts the C-terminus of the OPA3 protein. Other variant(s) that disrupt this region (p.Gln139*) have been observed in individuals with OPA3-related conditions (PMID: 18985435). This suggests that this may be a clinically significant region of the protein. In summary, the available evidence is currently insufficient to determine the role of this variant in disease. Therefore, it has been classified as a Variant of Uncertain Significance.

Literature cited by the submitters: PubMed 18985435.

NM_025136.4(OPA3):c.220G>T (p.Glu74Ter)

Genes: OPA3 (outer mitochondrial membrane lipid metabolism regulator OPA3; minus strand), OPA3-RTN2 (OPA3-RTN2 readthrough; minus strand). Cytogenetic location: 19q13.32.
Variant type: single nucleotide variant.
Coding change: c.220G>T on transcript NM_025136.4 (MANE Select); coding-DNA position 220, G replaced by T.
Protein change: p.Glu74Ter; replaces glutamic acid 74 with a stop codon.
Molecular consequence: nonsense. On other transcripts: intron variant (1).
Genome position (GRCh38, 1-based): chr19:45,553,834, C>A on the plus strand (G>T on the coding strand, the complement: OPA3 is on the minus strand). VCF-style: chr19-45553834-C-A. GRCh37 (hg19) VCF-style: chr19-46057092-C-A.
Other names: c.143-24378G>T (NM_001017989.3); short protein forms E74*.
Identifiers: ClinVar variation 2166810 (VCV002166810.1), dbSNP rs2513824550, ClinGen allele CA406371201.